The following is an entry in ClinVar:

ClinVar aggregate classification (germline): Uncertain significance (1 of 4 stars; one submission).

Conditions:
Deficiency of ferroxidase (ACEP). Also called: Ceruloplasmin deficiency; Familial apoceruloplasmin deficiency; Hereditary ceruloplasmin deficiency; Deficiency of ceruloplasmin; NEURODEGENERATION WITH BRAIN IRON ACCUMULATION 10; Aceruloplasminemia. Identifiers: Orphanet 48818, MedGen C0878682, MONDO:0011426, OMIM 604290, HP:0025498.

Allele frequency attached by ClinVar (database versions not stated): gnomAD exomes below 0.00001 and 0.00001.
gnomAD v4.1: 5 of 1,612,358 alleles (0.00031%); highest among the groups gnomAD compares: Non-Finnish European, 0.00042%; no homozygotes.

Submission:

Labcorp Genetics (formerly Invitae), Labcorp
Classification: Uncertain significance for Deficiency of ferroxidase. Last evaluated: 2019-01-16. Review status: criteria provided, single submitter. Criteria: Invitae Variant Classification Sherloc (09022015). Collection method: clinical testing. Allele origin: germline.
Comment: This sequence change replaces valine with methionine at codon 607 of the CP protein (p.Val607Met). The valine residue is highly conserved and there is a small physicochemical difference between valine and methionine. This variant is not present in population databases (ExAC no frequency). This variant has not been reported in the literature in individuals with CP-related conditions. Algorithms developed to predict the effect of missense changes on protein structure and function are either unavailable or do not agree on the potential impact of this missense change (SIFT: "Deleterious"; PolyPhen-2: "Probably Damaging"; Align-GVGD: "Class C0"). In summary, the available evidence is currently insufficient to determine the role of this variant in disease. Therefore, it has been classified as a Variant of Uncertain Significance.

NM_000096.4(CP):c.1819G>A (p.Val607Met)

Gene: CP (ceruloplasmin; minus strand). Cytogenetic location: 3q24.
Variant type: single nucleotide variant.
Coding change: c.1819G>A on transcript NM_000096.4 (MANE Select); coding-DNA position 1819, G replaced by A.
Protein change: p.Val607Met; replaces valine 607 with methionine.
Molecular consequence: missense variant. On other transcripts: non-coding transcript variant (1).
Genome position (GRCh38, 1-based): chr3:149,188,097, C>T on the plus strand (G>A on the coding strand, the complement: CP is on the minus strand). VCF-style: chr3-149188097-C-T. GRCh37 (hg19) VCF-style: chr3-148905884-C-T.
Other names: short protein forms V607M.
Identifiers: ClinVar variation 862990 (VCV000862990.1), dbSNP rs1158598597, ClinGen allele CA354932843.